The following is an entry in ClinVar:

NM_000088.4(COL1A1):c.1690dup (p.Arg564fs)

Gene: COL1A1 (collagen type I alpha 1 chain; minus strand). Cytogenetic location: 17q21.33.
Variant type: Duplication.
Coding change: c.1690dup on transcript NM_000088.4 (MANE Select); coding-DNA position 1690, one base duplicated (C; older notation c.1690dupC).
Protein change: p.Arg564fs; shifts the reading frame from arginine 564.
Molecular consequence: frameshift variant.
Genome position (GRCh38, 1-based): chr17:50,194,020, G duplicated on the plus strand (C on the coding strand, the reverse complement: COL1A1 is on the minus strand). VCF-style (leftmost placement, unchanged base first): chr17-50194019-C-CG. GRCh37 (hg19) VCF-style: chr17-48271380-C-CG.
Other names: c.1690dupC (NM_000088.4); short protein forms R564fs.
Identifiers: ClinVar variation 4280691 (VCV004280691.1).
Genomic context (GRCh38, chr17:50,194,019, plus strand): 5'-CCAGGGAATCCCATCACACCAGCCTGACCACGGGCACCAGGTGGGCCTGGGGGTCCGGGG[C>CG]GACCATCTTGACCGGCGGGACCCTAAGGATGGGAGGCACGAAAGCAGCAGTGAGGACAGC-3'

ClinVar aggregate classification (germline): Pathogenic (1 of 4 stars; one submission).

Conditions:
Osteogenesis imperfecta type I (OI1). Also called: OI, TYPE I; OSTEOGENESIS IMPERFECTA TARDA; OSTEOGENESIS IMPERFECTA WITH BLUE SCLERAE; Osteogenesis imperfecta type 1; Lobstein's Disease; Lobstein disease. Identifiers: Orphanet 216796, Orphanet 666, MedGen C0023931, MONDO:0008146, OMIM 166200. Disease mechanism: loss of function.

Submission:

Laboratory of Genetic Skeletal Anomaly, Seoul National University Children's Hospital
Classification: Pathogenic for Osteogenesis imperfecta type I. Last evaluated: 2025-03-01. Review status: criteria provided, single submitter. Criteria: ACMG Guidelines, 2015. Collection method: research. Allele origin: germline. Affected: yes.
Comment: This variant is a novel variant not previously reported in the literature or population databases. It was classified based on available in silico predictions and absence from gnomAD.